The following is an entry in ClinVar:

ClinVar aggregate classification (germline): Pathogenic (1 of 4 stars; one submission).

Conditions:
LAMA2-related muscular dystrophy (LAMA2-RD). Also called: Laminin alpha 2-related dystrophy. Identifiers: MedGen C5679788, MONDO:0100228.

Submission:

Myriad Genetics, Inc.
Classification: Pathogenic for LAMA2-related muscular dystrophy. Last evaluated: 2023-08-21. Review status: criteria provided, single submitter. Criteria: Myriad Autosomal Dominant, Autosomal Recessive and X-Linked Classification Criteria (2023). Collection method: clinical testing. Allele origin: unknown.
Comment: NM_000426.3(LAMA2):c.4660_4661insTGCT(G1554Vfs*6) is expected to be pathogenic in the context of muscular dystrophy, LAMA2-related. This variant is predicted to lead to an abnormal or absent protein product due to the creation of a premature termination codon in LAMA2, a gene where loss-of-function variants are known to be pathogenic. Please note: this variant was assessed in the context of healthy population screening.

NM_000426.4(LAMA2):c.4660_4661insTGCT (p.Gly1554fs)

Gene: LAMA2 (laminin subunit alpha 2; plus strand). Cytogenetic location: 6q22.33.
Variant type: Insertion.
Coding change: c.4660_4661insTGCT on transcript NM_000426.4 (MANE Select); coding-DNA positions 4660 to 4661, TGCT inserted.
Protein change: p.Gly1554fs; shifts the reading frame from glycine 1554.
Molecular consequence: frameshift variant.
Genome position: GRCh38 VCF-style: chr6-129353300-G-GTGCT. GRCh37 (hg19) VCF-style: chr6-129674445-G-GTGCT.
Other names: c.4660_4661insTGCT, p.Gly1554fs (NM_001079823.2); short protein forms G1554fs.
Identifiers: ClinVar variation 5011425 (VCV005011425.1).